The following is an entry in ClinVar:

ClinVar aggregate classification (germline): Uncertain significance (1 of 4 stars; one submission).

Submission:

Labcorp Genetics (formerly Invitae), Labcorp
Classification: Uncertain significance. Last evaluated: 2025-09-09. Review status: criteria provided, single submitter. Criteria: Invitae Variant Classification Sherloc (09022015). Collection method: clinical testing. Allele origin: germline.
Comment: This sequence change replaces leucine, which is neutral and non-polar, with phenylalanine, which is neutral and non-polar, at codon 145 of the RRAS2 protein (p.Leu145Phe). This variant is present in population databases (rs782004900, gnomAD 0.0009%). This variant has not been reported in the literature in individuals affected with RRAS2-related conditions. An algorithm developed to predict the effect of missense changes on protein structure and function (PolyPhen-2) suggests that this variant is likely to be disruptive. In summary, the available evidence is currently insufficient to determine the role of this variant in disease. Therefore, it has been classified as a Variant of Uncertain Significance.

NM_012250.6(RRAS2):c.435A>T (p.Leu145Phe)

Gene: RRAS2 (RAS related 2; minus strand). Cytogenetic location: 11p15.2.
Variant type: single nucleotide variant.
Coding change: c.435A>T on transcript NM_012250.6 (MANE Select); coding-DNA position 435, A replaced by T.
Protein change: p.Leu145Phe; replaces leucine 145 with phenylalanine.
Molecular consequence: missense variant.
Genome position (GRCh38, 1-based): chr11:14,281,694, T>A on the plus strand (A>T on the coding strand, the complement: RRAS2 is on the minus strand). VCF-style: chr11-14281694-T-A. GRCh37 (hg19) VCF-style: chr11-14303240-T-A.
Other names: c.204A>T, p.Leu68Phe (NM_001102669.3, NM_001177315.2, NM_001440709.1 and 6 more transcripts); c.330A>T, p.Leu110Phe (NM_001177314.2); c.435A>T, p.Leu145Phe (NM_001440708.1); short protein forms L110F, L145F, L68F.
Identifiers: ClinVar variation 4799133 (VCV004799133.1).